The following is an entry in ClinVar:

ClinVar aggregate classification (germline): Pathogenic/Likely pathogenic. Review status: criteria provided, multiple submitters, no conflicts (2 of 4 stars). 5 submissions from 4 submitters: Pathogenic (2); Likely pathogenic (2). 1 of the submissions does not count toward it. Last evaluated 2024-10-24.

Conditions:
Legg-Calve-Perthes disease. Also called: Osteochondritis deformans; Coxa plana; PERTHES DISEASE; Avascular necrosis of the capital femoral epiphysis. Identifiers: Orphanet 2380, MedGen C1442965, MONDO:0007885, OMIM 150600, HP:0005743.
Juvenile osteochondrosis of spine. Also called: Scheuermann disease; SCHEUERMANN JUVENILE KYPHOSIS; SPINAL OSTEOCHONDROSIS; Morbus Scheuermann. Identifiers: Orphanet 3135, MedGen C0036310, MONDO:0008410, OMIM 181440, HP:0010891.
Mucolipidosis type II. Also called: Mucolipidosis 2; ML 2; Inclusion cell disease; Leroy Disease; N-acetylglucosamine 1phosphotransferase deficiency; ML disorder type 2. Identifiers: Orphanet 576, MedGen C2673377, MONDO:0009650, OMIM 252500.
Pseudo-Hurler polydystrophy. Also called: Type III Mucolipidosis; ML IIIA; Mucolipidosis III Alpha/Beta; MUCOLIPIDOSIS IIIA; ML III; ML III ALPHA/BETA. Identifiers: Orphanet 423461, Orphanet 577, MedGen C0033788, MONDO:0018931, OMIM 252600.

Allele frequency attached by ClinVar (database versions not stated): ExAC 0.00002; ESP Exome Variant Server 0.00008; TOPMed 0.00001; gnomAD exomes 0.00001; gnomAD 0.00001.

Submissions (5):

Labcorp Genetics (formerly Invitae), Labcorp
Classification: Pathogenic for Pseudo-Hurler polydystrophy; Mucolipidosis type II. Last evaluated: 2024-10-24. Review status: criteria provided, single submitter. Criteria: Invitae Variant Classification Sherloc (09022015). Collection method: clinical testing. Allele origin: germline.
Comment: This sequence change replaces cysteine, which is neutral and slightly polar, with tyrosine, which is neutral and polar, at codon 505 of the GNPTAB protein (p.Cys505Tyr). This variant is present in population databases (rs281864980, gnomAD 0.004%). This missense change has been observed in individual(s) with mucolipidosis (PMID: 19617216, 23566849). In at least one individual the data is consistent with being in trans (on the opposite chromosome) from a pathogenic variant. ClinVar contains an entry for this variant (Variation ID: 39035). Invitae Evidence Modeling of protein sequence and biophysical properties (such as structural, functional, and spatial information, amino acid conservation, physicochemical variation, residue mobility, and thermodynamic stability) indicates that this missense variant is expected to disrupt GNPTAB protein function with a positive predictive value of 80%. Experimental studies have shown that this missense change affects GNPTAB function (PMID: 25505245, 25788519). For these reasons, this variant has been classified as Pathogenic.

Centre for Mendelian Genomics, University Medical Centre Ljubljana
Classification: Pathogenic for Pseudo-Hurler polydystrophy. Last evaluated: 2019-01-18. Review status: criteria provided, single submitter. Criteria: ACMG Guidelines, 2015. Collection method: clinical testing. Allele origin: unknown. Affected: yes.
Comment: This variant was classified as: Pathogenic. The following ACMG criteria were applied in classifying this variant: PS1,PM2,PP4,PS3,PM3. This variant was detected in homozygous state.

Fulgent Genetics
Classification: Likely pathogenic for Mucolipidosis type II; Pseudo-Hurler polydystrophy. Last evaluated: 2018-10-31. Review status: criteria provided, single submitter. Criteria: ACMG Guidelines, 2015. Collection method: clinical testing. Allele origin: unknown.

Centre for Mendelian Genomics, University Medical Centre Ljubljana
Classification: Likely pathogenic for Legg-Calve-Perthes disease; Juvenile osteochondrosis of spine. Last evaluated: 2017-01-01. Review status: criteria provided, single submitter. Criteria: ACMG Guidelines, 2015. Collection method: clinical testing. Allele origin: unknown. Affected: yes.

GeneReviews
No classification provided. Condition: Pseudo-Hurler polydystrophy. Review status: no classification provided. Collection method: literature only. Allele origin: unknown. Not counted in ClinVar's aggregate classification.

Literature cited by the submitters: PubMed 19617216 (cited by Labcorp Genetics (formerly Invitae), Labcorp and GeneReviews); PubMed 23566849 (cited by Labcorp Genetics (formerly Invitae), Labcorp); PubMed 25505245 (cited by Labcorp Genetics (formerly Invitae), Labcorp); PubMed 25788519 (cited by Labcorp Genetics (formerly Invitae), Labcorp); PubMed 20301728 (cited by GeneReviews); NCBI Bookshelf NBK1828 (cited by GeneReviews).

NM_024312.5(GNPTAB):c.1514G>A (p.Cys505Tyr)

Gene: GNPTAB (N-acetylglucosamine-1-phosphate transferase subunits alpha and beta; minus strand). Cytogenetic location: 12q23.2.
Variant type: single nucleotide variant.
Coding change: c.1514G>A on transcript NM_024312.5 (MANE Select); coding-DNA position 1514, G replaced by A.
Protein change: p.Cys505Tyr; replaces cysteine 505 with tyrosine.
Molecular consequence: missense variant.
Genome position (GRCh38, 1-based): chr12:101,766,189, C>T on the plus strand (G>A on the coding strand, the complement: GNPTAB is on the minus strand). VCF-style: chr12-101766189-C-T. GRCh37 (hg19) VCF-style: chr12-102159967-C-T.
Other names: short protein forms C505Y.
Identifiers: ClinVar variation 39035 (VCV000039035.13), dbSNP rs281864980, ClinGen allele CA343350.